The following is an entry in ClinVar:

ClinVar aggregate classification (germline): Likely benign. Review status: criteria provided, multiple submitters, no conflicts (2 of 4 stars). 3 submissions from 3 submitters: Likely benign (2). 1 of the submissions does not count toward it. Last evaluated 2025-09-12.

Conditions:
Adams-Oliver syndrome 5 (AOS5). Identifiers: Orphanet 974, MedGen C4014970, MONDO:0014459, OMIM 616028.
Familial thoracic aortic aneurysm and aortic dissection (TAAD). Also called: Thoracic aortic aneurysms and dissections. Identifiers: Orphanet 91387, MedGen C4707243, MONDO:0019625.
NOTCH1-related disorder. Also called: NOTCH1-related condition; NOTCH1-related disorders.

Allele frequency attached by ClinVar (database versions not stated): gnomAD exomes 0.00003; ExAC 0.00004; TOPMed 0.00004; gnomAD 0.00007 and 0.00008.
gnomAD v4.1: 31 of 1,606,294 alleles (0.0019%); highest among the groups gnomAD compares: African/African-American, 0.019%; no homozygotes.

Submissions (3):

Labcorp Genetics (formerly Invitae), Labcorp
Classification: Likely benign for Adams-Oliver syndrome 5. Last evaluated: 2025-09-12. Review status: criteria provided, single submitter. Criteria: Invitae Variant Classification Sherloc (09022015). Collection method: clinical testing. Allele origin: germline.

Ambry Genetics
Classification: Likely benign for Familial thoracic aortic aneurysm and aortic dissection. Last evaluated: 2022-06-14. Review status: criteria provided, single submitter. Criteria: Ambry Variant Classification Scheme 2023. Collection method: clinical testing. Allele origin: germline.

PreventionGenetics, part of Exact Sciences
Classification: Likely benign for NOTCH1-related condition. Last evaluated: 2022-08-10. Review status: no assertion criteria provided. Collection method: clinical testing. Allele origin: germline. Not counted in ClinVar's aggregate classification.
Comment: This variant is classified as likely benign based on ACMG/AMP sequence variant interpretation guidelines (Richards et al. 2015 PMID: 25741868, with internal and published modifications).

NM_017617.5(NOTCH1):c.3519C>T (p.Ala1173=)

Gene: NOTCH1 (notch receptor 1; minus strand). Cytogenetic location: 9q34.3.
Variant type: single nucleotide variant.
Coding change: c.3519C>T on transcript NM_017617.5 (MANE Select); coding-DNA position 3519, C replaced by T.
Protein change: p.Ala1173=; no amino-acid change (alanine 1173 retained).
Molecular consequence: synonymous variant.
Genome position (GRCh38, 1-based): chr9:136,507,429, G>A on the plus strand (C>T on the coding strand, the complement: NOTCH1 is on the minus strand). VCF-style: chr9-136507429-G-A. GRCh37 (hg19) VCF-style: chr9-139401881-G-A.
Other names: c.3519C>T (NM_017617.4).
Identifiers: ClinVar variation 1598450 (VCV001598450.12), dbSNP rs765576108, ClinGen allele CA5340886.
Genomic context (GRCh38, chr9:136,507,429, plus strand): 5'-CTGGCAGGGGTGGGAGAGGCACTCGTCGATCTCCTCAGAGCAGTTCACCCCGTGGTAGCC[G>A]GCCACGCACTGTGCAGGCGACAGAACGAGGGGCCCTTCGGCTCAGCCGGCGCCAGGATGC-3'
Protein context (NP_060087.3, residues 1163-1183): YLGGYSCKCV[Ala1173=]GYHGVNCSEE